The following is an entry in ClinVar:

NM_001005273.3(CHD3):c.924G>A (p.Ser308=)

Genes: CHD3 (chromodomain helicase DNA binding protein 3; plus strand), LOC126862484 (CDK7 strongly-dependent group 2 enhancer GRCh37_chr17:7797066-7798265; plus strand). Cytogenetic location: 17p13.1.
Variant type: single nucleotide variant.
Coding change: c.924G>A on transcript NM_001005273.3 (MANE Select); coding-DNA position 924, G replaced by A.
Protein change: p.Ser308=; no amino-acid change (serine 308 retained).
Molecular consequence: synonymous variant.
Genome position (GRCh38, 1-based): chr17:7,893,935, G>A. VCF-style: chr17-7893935-G-A. GRCh37 (hg19) VCF-style: chr17-7797253-G-A.
Other names: c.1101G>A, p.Ser367= (NM_001005271.3); c.924G>A, p.Ser308= (NM_005852.4).
Identifiers: ClinVar variation 3025453 (VCV003025453.22), dbSNP rs78632606, ClinGen allele CA8362503.

ClinVar aggregate classification (germline): Likely benign (1 of 4 stars; one submission).

Allele frequency attached by ClinVar (database versions not stated): gnomAD exomes 0.00001; TOPMed 0.00001; ExAC 0.00002; gnomAD 0.00002; 1000 Genomes Project 30x 0.00047; 1000 Genomes Project 0.00060.
gnomAD v4.1: 14 of 1,513,726 alleles (0.00092%); highest among the groups gnomAD compares: African/African-American, 0.0071%; no homozygotes.

Submission:

CeGaT Center for Human Genetics Tuebingen
Classification: Likely benign. Last evaluated: 2024-01-01. Review status: criteria provided, single submitter. Criteria: CeGaT Center For Human Genetics Tuebingen Variant Classification Criteria Version 2. Collection method: clinical testing. Allele origin: germline. Affected: yes. Observed: 1 variant allele.
Comment: CHD3: BP4, BP7